The following is an entry in ClinVar:

ClinVar aggregate classification (germline): Uncertain significance. Review status: criteria provided, multiple submitters, no conflicts (2 of 4 stars). 2 submissions from 2 submitters: Uncertain significance (2). Last evaluated 2024-04-09.

Allele frequency attached by ClinVar (database versions not stated): gnomAD exomes below 0.00001 and 0.00001.
gnomAD v4.1: 4 of 1,613,866 alleles (0.00025%); highest among the groups gnomAD compares: Admixed American, 0.0033%; no homozygotes.

Submissions (2):

GeneDx
Classification: Uncertain significance. Last evaluated: 2024-04-09. Review status: criteria provided, single submitter. Criteria: GeneDx Variant Classification Process June 2021. Collection method: clinical testing. Allele origin: germline. Affected: yes.
Comment: Not observed at significant frequency in large population cohorts (gnomAD); In silico analysis indicates that this missense variant does not alter protein structure/function; Has not been previously published as pathogenic or benign to our knowledge; This variant is associated with the following publications: (PMID: 27397505)

Labcorp Genetics (formerly Invitae), Labcorp
Classification: Uncertain significance. Last evaluated: 2021-06-24. Review status: criteria provided, single submitter. Criteria: Invitae Variant Classification Sherloc (09022015). Collection method: clinical testing. Allele origin: germline.
Comment: This variant is not present in population databases (ExAC no frequency). This sequence change replaces alanine with threonine at codon 1798 of the FAT4 protein (p.Ala1798Thr). The alanine residue is highly conserved and there is a small physicochemical difference between alanine and threonine. This variant has not been reported in the literature in individuals with FAT4-related conditions. Advanced modeling of protein sequence and biophysical properties (such as structural, functional, and spatial information, amino acid conservation, physicochemical variation, residue mobility, and thermodynamic stability) performed at Invitae indicates that this missense variant is not expected to disrupt FAT4 protein function. In summary, the available evidence is currently insufficient to determine the role of this variant in disease. Therefore, it has been classified as a Variant of Uncertain Significance.

NM_001291303.3(FAT4):c.5392G>A (p.Ala1798Thr)

Gene: FAT4 (FAT atypical cadherin 4; plus strand). Cytogenetic location: 4q28.1.
Variant type: single nucleotide variant.
Coding change: c.5392G>A on transcript NM_001291303.3 (MANE Select); coding-DNA position 5392, G replaced by A.
Protein change: p.Ala1798Thr; replaces alanine 1798 with threonine.
Molecular consequence: missense variant.
Genome position (GRCh38, 1-based): chr4:125,406,964, G>A. VCF-style: chr4-125406964-G-A. GRCh37 (hg19) VCF-style: chr4-126328119-G-A.
Other names: c.5392G>A, p.Ala1798Thr (NM_001291285.3, NM_024582.6); c.5392G>A (NM_024582.4); short protein forms A1798T.
Identifiers: ClinVar variation 1473949 (VCV001473949.9), dbSNP rs1465250521, ClinGen allele CA358122583.